The following is an entry in ClinVar:

NM_032119.4(ADGRV1):c.4285A>G (p.Ile1429Val)

Gene: ADGRV1 (adhesion G protein-coupled receptor V1; plus strand). Cytogenetic location: 5q14.3.
Variant type: single nucleotide variant.
Coding change: c.4285A>G on transcript NM_032119.4 (MANE Select); coding-DNA position 4285, A replaced by G.
Protein change: p.Ile1429Val; replaces isoleucine 1429 with valine.
Molecular consequence: missense variant. On other transcripts: non-coding transcript variant (1).
Genome position (GRCh38, 1-based): chr5:90,653,859, A>G. VCF-style: chr5-90653859-A-G. GRCh37 (hg19) VCF-style: chr5-89949676-A-G.
Other names: short protein forms I1429V.
Identifiers: ClinVar variation 1997535 (VCV001997535.4), dbSNP rs2532093062, ClinGen allele CA360402181.

ClinVar aggregate classification (germline): Uncertain significance (1 of 4 stars; one submission).

Allele frequency attached by ClinVar (database versions not stated): gnomAD exomes below 0.00001.
gnomAD v4.1: 2 of 1,609,412 alleles (0.00012%); highest among the groups gnomAD compares: Non-Finnish European, 0.00017%; no homozygotes.

Submission:

Labcorp Genetics (formerly Invitae), Labcorp
Classification: Uncertain significance. Last evaluated: 2022-05-25. Review status: criteria provided, single submitter. Criteria: Invitae Variant Classification Sherloc (09022015). Collection method: clinical testing. Allele origin: germline.
Comment: In summary, the available evidence is currently insufficient to determine the role of this variant in disease. Therefore, it has been classified as a Variant of Uncertain Significance. Algorithms developed to predict the effect of missense changes on protein structure and function (SIFT, PolyPhen-2, Align-GVGD) all suggest that this variant is likely to be tolerated. This variant has not been reported in the literature in individuals affected with ADGRV1-related conditions. This variant is not present in population databases (gnomAD no frequency). This sequence change replaces isoleucine, which is neutral and non-polar, with valine, which is neutral and non-polar, at codon 1429 of the ADGRV1 protein (p.Ile1429Val).